The following is an entry in ClinVar:

ClinVar aggregate classification (germline): Uncertain significance (1 of 4 stars; one submission).

Allele frequency attached by ClinVar (database versions not stated): gnomAD exomes 0.00001; gnomAD 0.00005; TOPMed 0.00005.

Submission:

Labcorp Genetics (formerly Invitae), Labcorp
Classification: Uncertain significance. Last evaluated: 2022-06-29. Review status: criteria provided, single submitter. Criteria: Invitae Variant Classification Sherloc (09022015). Collection method: clinical testing. Allele origin: germline.
Comment: This sequence change falls in intron 9 of the AP3B2 gene. It does not directly change the encoded amino acid sequence of the AP3B2 protein. It affects a nucleotide within the consensus splice site. This variant is present in population databases (no rsID available, gnomAD 0.002%). This variant has not been reported in the literature in individuals affected with AP3B2-related conditions. Variants that disrupt the consensus splice site are a relatively common cause of aberrant splicing (PMID: 17576681, 9536098). Experimental studies and prediction algorithms are not available or were not evaluated, and the effect of this variant on mRNA splicing is currently unknown. In summary, the available evidence is currently insufficient to determine the role of this variant in disease. Therefore, it has been classified as a Variant of Uncertain Significance.

Literature cited by the submitters: PubMed 17576681; PubMed 9536098.

NM_001278512.2(AP3B2):c.1111-2dup

Genes: CPEB1-AS1 (CPEB1 antisense RNA 1; plus strand), AP3B2 (adaptor related protein complex 3 subunit beta 2; minus strand). Cytogenetic location: 15q25.2.
Variant type: Duplication.
Coding change: c.1111-2dup on transcript NM_001278512.2 (MANE Select); the canonical splice acceptor site of the intron before coding-DNA position 1111, one base duplicated (A; older notation c.1111-2dupA).
Molecular consequence: splice acceptor variant.
Genome position (GRCh38, 1-based): chr15:82,679,802, T duplicated on the plus strand (A on the coding strand, the reverse complement: AP3B2 is on the minus strand). VCF-style (leftmost placement, unchanged base first): chr15-82679801-C-CT. GRCh37 (hg19) VCF-style: chr15-83348553-C-CT.
Other names: c.1111-2dup (NM_004644.5); c.1015-2dup (NM_001278511.2).
Identifiers: ClinVar variation 1957015 (VCV001957015.2), dbSNP rs1002901053, ClinGen allele CA273489278.